The following is an entry in ClinVar:

NM_000051.4(ATM):c.4980C>A (p.Asn1660Lys)

Gene: ATM (ATM serine/threonine kinase; plus strand). Cytogenetic location: 11q22.3.
Variant type: single nucleotide variant.
Coding change: c.4980C>A on transcript NM_000051.4 (MANE Select); coding-DNA position 4980, C replaced by A.
Protein change: p.Asn1660Lys; replaces asparagine 1660 with lysine.
Molecular consequence: missense variant.
Genome position (GRCh38, 1-based): chr11:108,297,357, C>A. VCF-style: chr11-108297357-C-A. GRCh37 (hg19) VCF-style: chr11-108168084-C-A.
Other names: c.4980C>A, p.Asn1660Lys (NM_001351834.2); short protein forms N1660K.
Identifiers: ClinVar variation 453550 (VCV000453550.17), dbSNP rs144338238, ClinGen allele CA6265590.

ClinVar aggregate classification (germline): Uncertain significance. Review status: criteria provided, multiple submitters, no conflicts (2 of 4 stars). 5 submissions from 5 submitters: Uncertain significance (4). 1 of the submissions does not count toward it. Last evaluated 2025-02-26.

Conditions:
Hereditary cancer-predisposing syndrome. Also called: Tumor predisposition; Hereditary Cancer Syndrome; Neoplastic Syndromes, Hereditary; Hereditary neoplastic syndrome. Identifiers: Orphanet 140162, MedGen C0027672, MeSH D009386, MONDO:0015356.
Familial cancer of breast. Also called: Hereditary breast cancer; hereditary breast carcinoma; BREAST CANCER, FAMILIAL. Identifiers: Orphanet 227535, MedGen C0346153, MONDO:0016419, OMIM 114480. Disease mechanism: loss of function.
Ataxia-telangiectasia syndrome (AT). Also called: Cerebello-oculocutaneous telangiectasia; Immunodeficiency with ataxia telangiectasia; Ataxia-telangiectasia, complementation group D; AT, COMPLEMENTATION GROUP C; Ataxia-telangiectasia, complementation group E; LOUIS-BAR SYNDROME. Identifiers: Orphanet 100, MedGen C0004135, MONDO:0008840, OMIM 208900.

gnomAD v4.1: 1 of 1,613,974 alleles (0.000062%); highest among the groups gnomAD compares: South Asian, 0.0011%; no homozygotes.

Submissions (5):

Labcorp Genetics (formerly Invitae), Labcorp
Classification: Uncertain significance for Ataxia-telangiectasia syndrome. Last evaluated: 2025-02-26. Review status: criteria provided, single submitter. Criteria: Invitae Variant Classification Sherloc (09022015). Collection method: clinical testing. Allele origin: germline.
Comment: This sequence change replaces asparagine, which is neutral and polar, with lysine, which is basic and polar, at codon 1660 of the ATM protein (p.Asn1660Lys). This variant is present in population databases (rs144338238, gnomAD 0.003%). This variant has not been reported in the literature in individuals affected with ATM-related conditions. ClinVar contains an entry for this variant (Variation ID: 453550). Invitae Evidence Modeling of protein sequence and biophysical properties (such as structural, functional, and spatial information, amino acid conservation, physicochemical variation, residue mobility, and thermodynamic stability) indicates that this missense variant is not expected to disrupt ATM protein function with a negative predictive value of 95%. In summary, the available evidence is currently insufficient to determine the role of this variant in disease. Therefore, it has been classified as a Variant of Uncertain Significance.

Baylor Genetics
Classification: Uncertain significance for Familial cancer of breast. Last evaluated: 2023-07-13. Review status: criteria provided, single submitter. Criteria: ACMG Guidelines, 2015. Collection method: clinical testing. Allele origin: unknown.

Ambry Genetics
Classification: Uncertain significance for Hereditary cancer-predisposing syndrome. Last evaluated: 2021-06-15. Review status: criteria provided, single submitter. Criteria: Ambry Variant Classification Scheme 2023. Collection method: clinical testing. Allele origin: germline.
Comment: The p.N1660K variant (also known as c.4980C>A), located in coding exon 32 of the ATM gene, results from a C to A substitution at nucleotide position 4980. The asparagine at codon 1660 is replaced by lysine, an amino acid with similar properties. This amino acid position is conserved. In addition, this alteration is predicted to be tolerated by in silico analysis. Since supporting evidence is limited at this time, the clinical significance of this alteration remains unclear.

Mendelics
Classification: Uncertain significance for Ataxia-telangiectasia syndrome. Last evaluated: 2018-07-02. Review status: criteria provided, single submitter. Criteria: Mendelics Assertion Criteria 2017. Collection method: clinical testing. Allele origin: unknown.

Natera, Inc.
Classification: Uncertain significance for Ataxia-telangiectasia. Last evaluated: 2021-08-11. Review status: no assertion criteria provided. Collection method: clinical testing. Allele origin: germline. Not counted in ClinVar's aggregate classification.